The following is an entry in ClinVar:

NM_003705.5(SLC25A12):c.2029A>T (p.Thr677Ser)

Gene: SLC25A12 (solute carrier family 25 member 12; minus strand). Cytogenetic location: 2q31.1.
Variant type: single nucleotide variant.
Coding change: c.2029A>T on transcript NM_003705.5 (MANE Select); coding-DNA position 2029, A replaced by T.
Protein change: p.Thr677Ser; replaces threonine 677 with serine.
Molecular consequence: missense variant. On other transcripts: non-coding transcript variant (1).
Genome position (GRCh38, 1-based): chr2:171,785,282, T>A on the plus strand (A>T on the coding strand, the complement: SLC25A12 is on the minus strand). VCF-style: chr2-171785282-T-A. GRCh37 (hg19) VCF-style: chr2-172641792-T-A.
Other names: short protein forms T677S.
Identifiers: ClinVar variation 1402287 (VCV001402287.6), dbSNP rs772577546, ClinGen allele CA349287041.
Genomic context (GRCh38, chr2:171,785,282, plus strand): 5'-CCTAGGCCTCTTTCTTCAAGGCGCCATTTTGCCACACTCAACAGTTGTCTCATCACTGAG[T>A]GGCTGCCACTGCTGCCTTTGGCTGAACCACAGCAACACTAGGAGACTTAAATTTCGGGAG-3'
Protein context (NP_003696.2, residues 667-678): VVQPKAAVAA[Thr677Ser]Q

ClinVar aggregate classification (germline): Uncertain significance (1 of 4 stars; one submission).

gnomAD v4.1: 2 of 1,614,112 alleles (0.00012%); highest among the groups gnomAD compares: Non-Finnish European, 0.00017%; no homozygotes.

Submission:

Labcorp Genetics (formerly Invitae), Labcorp
Classification: Uncertain significance. Last evaluated: 2024-10-15. Review status: criteria provided, single submitter. Criteria: Invitae Variant Classification Sherloc (09022015). Collection method: clinical testing. Allele origin: germline.
Comment: This sequence change replaces threonine, which is neutral and polar, with serine, which is neutral and polar, at codon 677 of the SLC25A12 protein (p.Thr677Ser). This variant is not present in population databases (gnomAD no frequency). This variant has not been reported in the literature in individuals affected with SLC25A12-related conditions. ClinVar contains an entry for this variant (Variation ID: 1402287). An algorithm developed to predict the effect of missense changes on protein structure and function outputs the following: PolyPhen-2: "Benign". The serine amino acid residue is found in multiple mammalian species, which suggests that this missense change does not adversely affect protein function. In summary, the available evidence is currently insufficient to determine the role of this variant in disease. Therefore, it has been classified as a Variant of Uncertain Significance.